The following is an entry in ClinVar:

NM_006947.4(SRP72):c.1430A>G (p.Asn477Ser)

Gene: SRP72 (signal recognition particle 72; plus strand). Cytogenetic location: 4q12.
Variant type: single nucleotide variant.
Coding change: c.1430A>G on transcript NM_006947.4 (MANE Select); coding-DNA position 1430, A replaced by G.
Protein change: p.Asn477Ser; replaces asparagine 477 with serine.
Molecular consequence: missense variant. On other transcripts: non-coding transcript variant (1).
Genome position (GRCh38, 1-based): chr4:56,490,573, A>G. VCF-style: chr4-56490573-A-G. GRCh37 (hg19) VCF-style: chr4-57356739-A-G.
Other names: c.1247A>G, p.Asn416Ser (NM_001267722.2); short protein forms N477S, N416S.
Identifiers: ClinVar variation 3801440 (VCV003801440.1).

ClinVar aggregate classification (germline): Uncertain significance (1 of 4 stars; one submission).

Submission:

Ambry Genetics
Classification: Uncertain significance. Last evaluated: 2025-01-13. Review status: criteria provided, single submitter. Criteria: Ambry Variant Classification Scheme 2023. Collection method: clinical testing. Allele origin: germline.
Comment: The p.N477S variant (also known as c.1430A>G), located in coding exon 15 of the SRP72 gene, results from an A to G substitution at nucleotide position 1430. The asparagine at codon 477 is replaced by serine, an amino acid with highly similar properties. This amino acid position is conserved. In addition, this alteration is predicted to be tolerated by in silico analysis. Based on the available evidence, the clinical significance of this variant remains unclear.